The following is an entry in ClinVar:

ClinVar aggregate classification (germline): Uncertain significance. Review status: criteria provided, multiple submitters, no conflicts (2 of 4 stars). 5 submissions from 5 submitters: Uncertain significance (5). Last evaluated 2026-08-07.

Conditions:
Bardet-Biedl syndrome 11 (BBS11). Identifiers: Orphanet 110, MedGen C1859569, MONDO:0014439, OMIM 615988.
Sarcotubular myopathy (LGMDR8). Also called: Hutterite type of muscular dystrophy; Limb-girdle muscular dystrophy, type 2H; MUSCULAR DYSTROPHY, LIMB-GIRDLE, AUTOSOMAL RECESSIVE 8; Autosomal recessive limb-girdle muscular dystrophy type 2H. Identifiers: Orphanet 1878, MedGen C0270968, MONDO:0009683, OMIM 254110.
TRIM32-related disorder. Also called: TRIM32-related condition.
Inborn genetic diseases. Identifiers: MedGen C0950123, MeSH D030342.
Bardet-Biedl syndrome (BBS). Identifiers: Orphanet 110, MedGen C0752166, MONDO:0015229.

Allele frequency attached by ClinVar (database versions not stated): gnomAD 0.00001; gnomAD exomes 0.00002 and 0.00005; TOPMed 0.00002; ExAC 0.00007.
gnomAD v4.1: 14 of 1,614,028 alleles (0.00087%); highest among the groups gnomAD compares: Admixed American, 0.023%; no homozygotes.

Submissions (5):

PreventionGenetics, part of Exact Sciences
Classification: Uncertain significance for TRIM32-related condition. Last evaluated: 2026-08-07. Review status: criteria provided, single submitter. Criteria: ACMG Guidelines, 2015. Collection method: clinical testing. Allele origin: germline.
Comment: The TRIM32 c.32T>C variant is predicted to result in the amino acid substitution p.Leu11Pro. To our knowledge, this variant has not been reported in the literature. This variant is reported in 0.037% of alleles in individuals of Latino descent in gnomAD. At this time, the clinical significance of this variant is uncertain due to the absence of conclusive functional and genetic evidence.

Ambry Genetics
Classification: Uncertain significance for Inborn genetic diseases. Last evaluated: 2024-01-23. Review status: criteria provided, single submitter. Criteria: Ambry Variant Classification Scheme 2023. Collection method: clinical testing. Allele origin: germline.

Revvity Omics, Revvity
Classification: Uncertain significance. Last evaluated: 2023-10-30. Review status: criteria provided, single submitter. Criteria: ACMG Guidelines, 2015. Collection method: clinical testing. Allele origin: germline.

Fulgent Genetics
Classification: Uncertain significance for Sarcotubular myopathy; Bardet-Biedl syndrome 11. Last evaluated: 2022-05-22. Review status: criteria provided, single submitter. Criteria: ACMG Guidelines, 2015. Collection method: clinical testing. Allele origin: unknown.

Labcorp Genetics (formerly Invitae), Labcorp
Classification: Uncertain significance for Bardet-Biedl syndrome. Last evaluated: 2022-03-18. Review status: criteria provided, single submitter. Criteria: Invitae Variant Classification Sherloc (09022015). Collection method: clinical testing. Allele origin: germline.
Comment: This sequence change replaces leucine, which is neutral and non-polar, with proline, which is neutral and non-polar, at codon 11 of the TRIM32 protein (p.Leu11Pro). This variant is present in population databases (rs767818381, gnomAD 0.03%). This variant has not been reported in the literature in individuals affected with TRIM32-related conditions. ClinVar contains an entry for this variant (Variation ID: 864083). Algorithms developed to predict the effect of missense changes on protein structure and function (SIFT, PolyPhen-2, Align-GVGD) all suggest that this variant is likely to be tolerated. In summary, the available evidence is currently insufficient to determine the role of this variant in disease. Therefore, it has been classified as a Variant of Uncertain Significance.

NM_012210.4(TRIM32):c.32T>C (p.Leu11Pro)

Genes: ASTN2 (astrotactin 2; minus strand), TRIM32 (tripartite motif containing 32; plus strand). Cytogenetic location: 9q33.1.
Variant type: single nucleotide variant.
Coding change: c.32T>C on transcript NM_012210.4 (MANE Select); coding-DNA position 32, T replaced by C.
Protein change: p.Leu11Pro; replaces leucine 11 with proline.
Molecular consequence: missense variant. On other transcripts: intron variant (3).
Genome position (GRCh38, 1-based): chr9:116,697,774, T>C. VCF-style: chr9-116697774-T-C. GRCh37 (hg19) VCF-style: chr9-119460053-T-C.
Other names: c.32T>C, p.Leu11Pro (NM_001099679.2, NM_001379048.1, NM_001379049.1 and 1 more transcripts); c.2653+27997A>G (NM_014010.5); c.2794+27997A>G (NM_001365069.1); c.2806+27997A>G (NM_001365068.1); short protein forms L11P.
Identifiers: ClinVar variation 864083 (VCV000864083.12), dbSNP rs767818381, ClinGen allele CA5210890.